The following is an entry in ClinVar:

NM_001322934.2(NFKB2):c.1760C>T (p.Pro587Leu)

Gene: NFKB2 (nuclear factor kappa B subunit 2; plus strand). Cytogenetic location: 10q24.32.
Variant type: single nucleotide variant.
Coding change: c.1760C>T on transcript NM_001322934.2 (MANE Select); coding-DNA position 1760, C replaced by T.
Protein change: p.Pro587Leu; replaces proline 587 with leucine.
Molecular consequence: missense variant.
Genome position (GRCh38, 1-based): chr10:102,400,453, C>T. VCF-style: chr10-102400453-C-T. GRCh37 (hg19) VCF-style: chr10-104160210-C-T.
Other names: c.1760C>T, p.Pro587Leu (NM_001077493.1, NM_001077494.3, NM_001261403.3 and 2 more transcripts); c.1634C>T, p.Pro545Leu (NM_001322935.1); short protein forms P545L, P587L.
Identifiers: ClinVar variation 1982444 (VCV001982444.24), dbSNP rs2061213112, ClinGen allele CA377902208.

ClinVar aggregate classification (germline): Uncertain significance. Review status: criteria provided, multiple submitters, no conflicts (2 of 4 stars). 2 submissions from 2 submitters: Uncertain significance (2). Last evaluated 2024-04-01.

Conditions:
Immunodeficiency, common variable, 10. Also called: IMMUNODEFICIENCY, COMMON VARIABLE, WITH CENTRAL ADRENAL INSUFFICIENCY; DEFICIT IN ANTERIOR PITUITARY FUNCTION AND VARIABLE IMMUNODEFICIENCY. Identifiers: MedGen C3809991, MONDO:0014260, OMIM 615577.

Submissions (2):

CeGaT Center for Human Genetics Tuebingen
Classification: Uncertain significance. Last evaluated: 2024-04-01. Review status: criteria provided, single submitter. Criteria: CeGaT Center For Human Genetics Tuebingen Variant Classification Criteria Version 2. Collection method: clinical testing. Allele origin: germline. Affected: yes. Observed: 1 variant allele.
Comment: NFKB2: PM2, BP4

Labcorp Genetics (formerly Invitae), Labcorp
Classification: Uncertain significance for Immunodeficiency, common variable, 10. Last evaluated: 2022-10-16. Review status: criteria provided, single submitter. Criteria: Invitae Variant Classification Sherloc (09022015). Collection method: clinical testing. Allele origin: germline.
Comment: In summary, the available evidence is currently insufficient to determine the role of this variant in disease. Therefore, it has been classified as a Variant of Uncertain Significance. Algorithms developed to predict the effect of missense changes on protein structure and function (SIFT, PolyPhen-2, Align-GVGD) all suggest that this variant is likely to be tolerated. This variant has not been reported in the literature in individuals affected with NFKB2-related conditions. This variant is not present in population databases (gnomAD no frequency). This sequence change replaces proline, which is neutral and non-polar, with leucine, which is neutral and non-polar, at codon 587 of the NFKB2 protein (p.Pro587Leu).